The following is an entry in ClinVar:

ClinVar aggregate classification (germline): Benign/Likely benign. Review status: criteria provided, multiple submitters, no conflicts (2 of 4 stars). 6 submissions from 6 submitters: Benign (4); Likely benign (2). Last evaluated 2026-02-02.

Conditions:
Neuropathy, hereditary sensory and autonomic, type 2A (HSAN2A). Also called: ACROOSTEOLYSIS, GIACCAI TYPE; ACROOSTEOLYSIS, NEUROGENIC; HSAN IIA; WNK1-Related HSAN2 (HSAN2A); MORVAN DISEASE; NEUROPATHY, CONGENITAL SENSORY. Identifiers: Orphanet 970, MedGen C2752089, MONDO:0024309, OMIM 201300.
Pseudohypoaldosteronism type 2C (PHA2C). Also called: Pseudohypoaldosteronism Type IIC. Identifiers: Orphanet 757, Orphanet 88940, MedGen C1840391, MONDO:0013778, OMIM 614492.

Allele frequency attached by ClinVar (database versions not stated): gnomAD exomes 0.00079 and 0.00203; ExAC 0.00245; 1000 Genomes Project 0.00759; gnomAD 0.00759 and 0.00815; TOPMed 0.00826; 1000 Genomes Project 30x 0.00828; ESP Exome Variant Server 0.00830.

Submissions (6):

Labcorp Genetics (formerly Invitae), Labcorp
Classification: Benign for Neuropathy, hereditary sensory and autonomic, type 2A; Pseudohypoaldosteronism type 2C. Last evaluated: 2026-02-02. Review status: criteria provided, single submitter. Criteria: Invitae Variant Classification Sherloc (09022015). Collection method: clinical testing. Allele origin: germline.

ARUP Laboratories, Molecular Genetics and Genomics, ARUP Laboratories
Classification: Benign. Last evaluated: 2023-11-29. Review status: criteria provided, single submitter. Criteria: ARUP Molecular Germline Variant Investigation Process 2024. Collection method: clinical testing. Allele origin: germline.

Mayo Clinic Laboratories, Mayo Clinic
Classification: Benign. Last evaluated: 2023-06-05. Review status: criteria provided, single submitter. Criteria: ACMG Guidelines, 2015. Collection method: clinical testing. Allele origin: germline. Observed: 8 variant alleles.

GeneDx
Classification: Likely benign. Last evaluated: 2018-08-15. Review status: criteria provided, single submitter. Criteria: GeneDx Variant Classification Process June 2021. Collection method: clinical testing. Allele origin: germline. Affected: yes.

Illumina Laboratory Services, Illumina
Classification: Benign for Pseudohypoaldosteronism type 2C. Last evaluated: 2018-01-12. Review status: criteria provided, single submitter. Criteria: ICSL Variant Classification Criteria 13 December 2019. Collection method: clinical testing. Allele origin: germline.
Comment: This variant was observed in the ICSL laboratory as part of a predisposition screen in an ostensibly healthy population. It had not been previously curated by ICSL or reported in the Human Gene Mutation Database (HGMD: prior to June 1st, 2018), and was therefore a candidate for classification through an automated scoring system. Utilizing variant allele frequency, disease prevalence and penetrance estimates, and inheritance mode, an automated score was calculated to assess if this variant is too frequent to cause the disease. Based on the score and internal cut-off values, a variant classified as benign is not then subjected to further curation. The score for this variant resulted in a classification of benign for this disease.

Breakthrough Genomics
Classification: Likely benign. Review status: criteria provided, single submitter. Criteria: ACMG Guidelines, 2015. Collection method: not provided. Allele origin: germline. Inheritance: Autosomal recessive inheritance. Affected: yes.

NM_018979.4(WNK1):c.5991G>A (p.Glu1997=)

Gene: WNK1 (WNK lysine deficient protein kinase 1; plus strand). Cytogenetic location: 12p13.33.
Variant type: single nucleotide variant.
Coding change: c.5991G>A on transcript NM_018979.4 (MANE Select); coding-DNA position 5991, G replaced by A.
Protein change: p.Glu1997=; no amino-acid change (glutamic acid 1997 retained).
Molecular consequence: synonymous variant.
Genome position (GRCh38, 1-based): chr12:896,478, G>A. VCF-style: chr12-896478-G-A. GRCh37 (hg19) VCF-style: chr12-1005644-G-A.
Other names: p.Glu2249=; c.6771G>A, p.Glu2257= (NM_001184985.2); c.5247G>A, p.Glu1749= (NM_014823.3); c.6747G>A, p.Glu2249= (NM_213655.5).
Identifiers: ClinVar variation 306615 (VCV000306615.29), dbSNP rs61736907, ClinGen allele CA6383308.